The following is an entry in ClinVar:

ClinVar aggregate classification (germline): Pathogenic (1 of 4 stars; one submission).

Conditions:
Nemaline myopathy 10 (NEM10). Identifiers: MedGen C4015360, MONDO:0014513, OMIM 616165.

Submission:

Labcorp Genetics (formerly Invitae), Labcorp
Classification: Pathogenic for Nemaline myopathy 10. Last evaluated: 2023-01-17. Review status: criteria provided, single submitter. Criteria: Invitae Variant Classification Sherloc (09022015). Collection method: clinical testing. Allele origin: germline.
Comment: For these reasons, this variant has been classified as Pathogenic. ClinVar contains an entry for this variant (Variation ID: 1451618). This variant has not been reported in the literature in individuals affected with LMOD3-related conditions. This variant is not present in population databases (gnomAD no frequency). This sequence change creates a premature translational stop signal (p.Gln407*) in the LMOD3 gene. It is expected to result in an absent or disrupted protein product. Loss-of-function variants in LMOD3 are known to be pathogenic (PMID: 25250574).

Literature cited by the submitters: PubMed 25250574.

NM_198271.5(LMOD3):c.1219C>T (p.Gln407Ter)

Gene: LMOD3 (leiomodin 3; minus strand). Cytogenetic location: 3p14.1.
Variant type: single nucleotide variant.
Coding change: c.1219C>T on transcript NM_198271.5 (MANE Select); coding-DNA position 1219, C replaced by T.
Protein change: p.Gln407Ter; replaces glutamine 407 with a stop codon.
Molecular consequence: nonsense.
Genome position (GRCh38, 1-based): chr3:69,119,136, G>A on the plus strand (C>T on the coding strand, the complement: LMOD3 is on the minus strand). VCF-style: chr3-69119136-G-A. GRCh37 (hg19) VCF-style: chr3-69168287-G-A.
Other names: c.1219C>T, p.Gln407Ter (NM_001304418.3); short protein forms Q407*.
Identifiers: ClinVar variation 1451618 (VCV001451618.6), dbSNP rs2107526111, ClinGen allele CA353472187.